The following is an entry in ClinVar:

NM_001128840.3(CACNA1D):c.2482G>A (p.Glu828Lys)

Gene: CACNA1D (calcium voltage-gated channel subunit alpha1 D; plus strand). Cytogenetic location: 3p21.1.
Variant type: single nucleotide variant.
Coding change: c.2482G>A on transcript NM_001128840.3 (MANE Select); coding-DNA position 2482, G replaced by A.
Protein change: p.Glu828Lys; replaces glutamic acid 828 with lysine.
Molecular consequence: missense variant.
Genome position (GRCh38, 1-based): chr3:53,732,823, G>A. VCF-style: chr3-53732823-G-A. GRCh37 (hg19) VCF-style: chr3-53766850-G-A.
Other names: c.2542G>A, p.Glu848Lys (NM_000720.4); c.2482G>A, p.Glu828Lys (NM_001128839.3); short protein forms E848K, E828K.
Identifiers: ClinVar variation 4773843 (VCV004773843.1).

ClinVar aggregate classification (germline): Uncertain significance (1 of 4 stars; one submission).

gnomAD v4.1: 4 of 1,611,416 alleles (0.00025%); highest among the groups gnomAD compares: Non-Finnish European, 0.00034%; no homozygotes.

Submission:

Labcorp Genetics (formerly Invitae), Labcorp
Classification: Uncertain significance. Last evaluated: 2025-08-30. Review status: criteria provided, single submitter. Criteria: Invitae Variant Classification Sherloc (09022015). Collection method: clinical testing. Allele origin: germline.
Comment: This sequence change replaces glutamic acid, which is acidic and polar, with lysine, which is basic and polar, at codon 848 of the CACNA1D protein (p.Glu848Lys). This variant is not present in population databases (gnomAD no frequency). This variant has not been reported in the literature in individuals affected with CACNA1D-related conditions. Invitae Evidence Modeling of protein sequence and biophysical properties (such as structural, functional, and spatial information, amino acid conservation, physicochemical variation, residue mobility, and thermodynamic stability) indicates that this missense variant is not expected to disrupt CACNA1D protein function with a negative predictive value of 80%. In summary, the available evidence is currently insufficient to determine the role of this variant in disease. Therefore, it has been classified as a Variant of Uncertain Significance.